The following is an entry in ClinVar:

ClinVar aggregate classification (germline): Uncertain significance (1 of 4 stars; one submission).

Conditions:
Peroxisome biogenesis disorder. Identifiers: Orphanet 79189, MedGen C1832200, MONDO:0019234. Disease mechanism: loss of function.

Submission:

Labcorp Genetics (formerly Invitae), Labcorp
Classification: Uncertain significance for Peroxisome biogenesis disorder. Last evaluated: 2021-09-24. Review status: criteria provided, single submitter. Criteria: Invitae Variant Classification Sherloc (09022015). Collection method: clinical testing. Allele origin: germline.
Comment: This sequence change replaces threonine with serine at codon 234 of the PEX6 protein (p.Thr234Ser). The threonine residue is weakly conserved and there is a small physicochemical difference between threonine and serine. This variant is not present in population databases (ExAC no frequency). This variant has not been reported in the literature in individuals with PEX6-related conditions. Algorithms developed to predict the effect of missense changes on protein structure and function (SIFT, PolyPhen-2, Align-GVGD) all suggest that this variant is likely to be tolerated, but these predictions have not been confirmed by published functional studies and their clinical significance is uncertain. In summary, the available evidence is currently insufficient to determine the role of this variant in disease. Therefore, it has been classified as a Variant of Uncertain Significance.

NM_000287.4(PEX6):c.701C>G (p.Thr234Ser)

Gene: PEX6 (peroxisomal biogenesis factor 6; minus strand). Cytogenetic location: 6p21.1.
Variant type: single nucleotide variant.
Coding change: c.701C>G on transcript NM_000287.4 (MANE Select); coding-DNA position 701, C replaced by G.
Protein change: p.Thr234Ser; replaces threonine 234 with serine.
Molecular consequence: missense variant. On other transcripts: non-coding transcript variant (1), intron variant (1).
Genome position (GRCh38, 1-based): chr6:42,978,450, G>C on the plus strand (C>G on the coding strand, the complement: PEX6 is on the minus strand). VCF-style: chr6-42978450-G-C. GRCh37 (hg19) VCF-style: chr6-42946188-G-C.
Other names: c.618+83C>G (NM_001316313.2); short protein forms T234S.
Identifiers: ClinVar variation 2177458 (VCV002177458.1), dbSNP rs2481276986, ClinGen allele CA364162642.